The following is an entry in ClinVar:

NM_015001.3(SPEN):c.3613C>T (p.Arg1205Cys)

Gene: SPEN (spen family transcriptional repressor; plus strand). Cytogenetic location: 1p36.13.
Variant type: single nucleotide variant.
Coding change: c.3613C>T on transcript NM_015001.3 (MANE Select); coding-DNA position 3613, C replaced by T.
Protein change: p.Arg1205Cys; replaces arginine 1205 with cysteine.
Molecular consequence: missense variant.
Genome position (GRCh38, 1-based): chr1:15,929,853, C>T. VCF-style: chr1-15929853-C-T. GRCh37 (hg19) VCF-style: chr1-16256348-C-T.
Other names: short protein forms R1205C.
Identifiers: ClinVar variation 2573203 (VCV002573203.1), dbSNP rs2523077922, ClinGen allele CA338608729.

ClinVar aggregate classification (germline): Uncertain significance (1 of 4 stars; one submission).

Conditions:
Radio-Tartaglia syndrome. Identifiers: Orphanet 662234, MedGen C5543339, MONDO:0859143, OMIM 619312.

Submission:

Diagnostics Services (NGS), CSIR - Centre For Cellular And Molecular Biology
Classification: Uncertain significance for Radio-Tartaglia syndrome. Last evaluated: 2023-07-21. Review status: criteria provided, single submitter. Criteria: ACMG Guidelines, 2015. Collection method: clinical testing. Allele origin: unknown. Affected: yes. Observed: 1 variant allele, 1 heterozygote.
Comment: The c.3613C>T variant is not present in publicly available population databases like 1000 Genomes, ExAC, EVS, gnomAD, Indian Exome Database or our in-house exome database. This variant has neither been published in literature nor reported to clinical databases like in ClinVar, Human Gene Mutation Database (HGMD) or OMIM, in any affected individuals. In-silico pathogenicity prediction programs like SIFT, Polyphen-2, MutationTaster2, CADD etc predicted this variant to be likely deleterious, however these predictions were not confirmed by published functional studies.